The following is an entry in ClinVar:

ClinVar aggregate classification (germline): Uncertain significance. Review status: criteria provided, multiple submitters, no conflicts (2 of 4 stars). 2 submissions from 2 submitters: Uncertain significance (2). Last evaluated 2025-10-30.

Allele frequency attached by ClinVar (database versions not stated): gnomAD 0.00001; gnomAD exomes 0.00001.
gnomAD v4.1: 8 of 1,594,396 alleles (0.0005%); highest among the groups gnomAD compares: Non-Finnish European, 0.00068%; no homozygotes.

Submissions (2):

Ambry Genetics
Classification: Uncertain significance. Last evaluated: 2025-10-30. Review status: criteria provided, single submitter. Criteria: Ambry Variant Classification Scheme 2023. Collection method: clinical testing. Allele origin: germline.
Comment: The p.A446G variant (also known as c.1337C>G), located in coding exon 10 of the RINT1 gene, results from a C to G substitution at nucleotide position 1337. The alanine at codon 446 is replaced by glycine, an amino acid with similar properties. This amino acid position is conserved. In addition, the in silico prediction for this alteration is inconclusive. Since supporting evidence is limited at this time, the clinical significance of this alteration remains unclear.

Labcorp Genetics (formerly Invitae), Labcorp
Classification: Uncertain significance. Last evaluated: 2018-12-21. Review status: criteria provided, single submitter. Criteria: Invitae Variant Classification Sherloc (09022015). Collection method: clinical testing. Allele origin: germline.
Comment: In summary, the available evidence is currently insufficient to determine the role of this variant in disease. Therefore, it has been classified as a Variant of Uncertain Significance. Algorithms developed to predict the effect of missense changes on protein structure and function are either unavailable or do not agree on the potential impact of this missense change (SIFT: "Tolerated"; PolyPhen-2: "Probably Damaging"; Align-GVGD: "Class C0"). This variant has not been reported in the literature in individuals with RINT1-related conditions. This variant is not present in population databases (ExAC no frequency). This sequence change replaces alanine with glycine at codon 446 of the RINT1 protein (p.Ala446Gly). The alanine residue is moderately conserved and there is a small physicochemical difference between alanine and glycine.

NM_021930.6(RINT1):c.1337C>G (p.Ala446Gly)

Gene: RINT1 (RAD50 interactor 1; plus strand). Cytogenetic location: 7q22.3.
Variant type: single nucleotide variant.
Coding change: c.1337C>G on transcript NM_021930.6 (MANE Select); coding-DNA position 1337, C replaced by G.
Protein change: p.Ala446Gly; replaces alanine 446 with glycine.
Molecular consequence: missense variant. On other transcripts: non-coding transcript variant (1).
Genome position (GRCh38, 1-based): chr7:105,551,573, C>G. VCF-style: chr7-105551573-C-G. GRCh37 (hg19) VCF-style: chr7-105192020-C-G.
Other names: c.1103C>G, p.Ala368Gly (NM_001346599.2); c.314C>G, p.Ala105Gly (NM_001346600.2, NM_001346603.2); c.413C>G, p.Ala138Gly (NM_001346601.2); short protein forms A105G, A138G, A446G, A368G.
Identifiers: ClinVar variation 660787 (VCV000660787.12), dbSNP rs1013448398, ClinGen allele CA164058134.
Genomic context (GRCh38, chr7:105,551,573, plus strand): 5'-ATAATTAGGAACGACTGTAACTACTTAATTGACATAATTGTTTTGTCTGCTTATCAGTTG[C>G]TCTTCAAAAAATGGACTCAATGCTTTCCTCAGAAGCTGCCTGGGTATCGCAATATAAGGA-3'
Protein context (NP_068749.3, residues 436-456): QRWLTVERKF[Ala446Gly]LQKMDSMLSS